The following is an entry in ClinVar:

NC_000013.10:g.(?_23808791)_(23810016_?)del

Gene: SGCG (sarcoglycan gamma; plus strand). Cytogenetic location: 13q12.12.
Variant type: Deletion.
Identifiers: ClinVar variation 3244164 (VCV003244164.1).

ClinVar aggregate classification (germline): Pathogenic (1 of 4 stars; one submission).

Conditions:
Autosomal recessive limb-girdle muscular dystrophy type 2C (LGMDR5). Also called: MUSCULAR DYSTROPHY, DUCHENNE-LIKE; MUSCULAR DYSTROPHY, LIMB-GIRDLE, AUTOSOMAL RECESSIVE 5. Identifiers: Orphanet 353, MedGen C0410173, MONDO:0009677, OMIM 253700. Disease mechanism: Affects gamma-sarcoglycan and also disrupts the integrity of the entire sarcoglycan complex..

Submission:

Labcorp Genetics (formerly Invitae), Labcorp
Classification: Pathogenic for Autosomal recessive limb-girdle muscular dystrophy type 2C. Last evaluated: 2020-07-16. Review status: criteria provided, single submitter. Criteria: Invitae Variant Classification Sherloc (09022015). Collection method: clinical testing. Allele origin: unknown.
Comment: This variant is a deletion of the genomic region encompassing part of exon 3 (c.237_297+1165del) of the SGCG gene. It is expected to disrupt RNA splicing and likely results in an absent or disrupted protein product. This variant has been observed in individual(s) with clinical features of SGCG-related conditions (Invitae). In at least one individual the data is consistent with the variant being in trans (on the opposite chromosome) from a pathogenic variant. Loss-of-function variants in SGCG are known to be pathogenic (PMID: 18285821). For these reasons, this variant has been classified as Pathogenic.

Literature cited by the submitters: PubMed 18285821.